The following is an entry in ClinVar:

NM_001079802.2(FKTN):c.383G>A (p.Arg128Gln)

Gene: FKTN (fukutin; plus strand). Cytogenetic location: 9q31.2.
Variant type: single nucleotide variant.
Coding change: c.383G>A on transcript NM_001079802.2 (MANE Select); coding-DNA position 383, G replaced by A.
Protein change: p.Arg128Gln; replaces arginine 128 with glutamine.
Molecular consequence: missense variant. On other transcripts: 5 prime UTR variant (4), non-coding transcript variant (2).
Genome position (GRCh38, 1-based): chr9:105,604,228, G>A. VCF-style: chr9-105604228-G-A. GRCh37 (hg19) VCF-style: chr9-108366509-G-A.
Other names: p.Arg128Gln; c.383G>A, p.Arg128Gln (NM_001198963.2, NM_001351496.2, NM_001351498.2 and 1 more transcripts); c.314G>A, p.Arg105Gln (NM_001351497.2); c.-14G>A (NM_001351499.2, NM_001351500.2, NM_001351501.2 and 1 more transcripts); short protein forms R128Q, R105Q.
Identifiers: ClinVar variation 286471 (VCV000286471.26), dbSNP rs146049441, ClinGen allele CA5170400.

ClinVar aggregate classification (germline): Uncertain significance. Review status: criteria provided, multiple submitters, no conflicts (2 of 4 stars). 9 submissions from 9 submitters: Uncertain significance (8). 1 of the submissions does not count toward it. Last evaluated 2026-06-08.

Conditions:
Muscular dystrophy-dystroglycanopathy (congenital with brain and eye anomalies), type A1 (MDDGA1). Also called: Muscular dystrophy-dystroglycanopathy (congenital with brain and eye anomalies), type A, 1; WALKER-WARBURG SYNDROME OR MUSCLE-EYE-BRAIN DISEASE, POMT1-RELATED; Hydrocephalus, agyria and retinal dysplasia; Hard +/- E syndrome; Warburg syndrome; Chemke syndrome. Identifiers: Orphanet 588, Orphanet 899, MedGen C4284790, MONDO:0009364, OMIM 236670.
Dilated cardiomyopathy 1X (CMD1X). Also called: CARDIOMYOPATHY, DILATED, WITH MILD OR NO PROXIMAL MUSCLE WEAKNESS; FKTN-Related Dilated Cardiomyopathy. Identifiers: Orphanet 154, MedGen C1969024, MONDO:0012704, OMIM 611615.
Muscular dystrophy-dystroglycanopathy (congenital without impaired intellectual development), type B, 4. Also called: Muscular dystrophy-dystroglycanopathy (congenital without intellectual disability), type B4; MUSCULAR DYSTROPHY, CONGENITAL, FKTN-RELATED. Identifiers: MedGen C2751052, MONDO:0013156, OMIM 613152.
Autosomal recessive limb-girdle muscular dystrophy type 2M. Also called: MUSCULAR DYSTROPHY-DYSTROGLYCANOPATHY (LIMB-GIRDLE), TYPE C, 4; MUSCULAR DYSTROPHY, LIMB-GIRDLE, TYPE 2M. Identifiers: Orphanet 206554, MedGen C1969040, MONDO:0012699, OMIM 611588.
Muscular dystrophy-dystroglycanopathy (congenital with brain and eye anomalies), type A, 4 (MDDGA4). Also called: WALKER-WARBURG SYNDROME OR MUSCLE-EYE-BRAIN DISEASE, FKTN-RELATED; Congenital muscular dystrophy-dystroglycanopathy with brain and eye anomalies, type A4; Muscular dystrophy, congenital progressive, with mental retardation; Muscular dystrophy, congenital, with central nervous system involvement; Cerebromuscular dystrophy, Fukuyama type; Fukuyama congenital muscular dystrophy. Identifiers: Orphanet 272, Orphanet 588, Orphanet 899, MedGen C0410174, MONDO:0009678, OMIM 253800.
Cardiovascular phenotype. Identifiers: MedGen CN230736.
Walker-Warburg congenital muscular dystrophy. Also called: Muscular dystrophy-dystroglycanopathy, type A; Walker-Warburg syndrome. Identifiers: Orphanet 899, MedGen C0265221, MONDO:0000171.

Allele frequency attached by ClinVar (database versions not stated): gnomAD 0.00013 and 0.00014; TOPMed 0.00014; ExAC 0.00003; ESP Exome Variant Server 0.00015; gnomAD exomes 0.00006 and 0.00024.

Submissions (9):

GeneDx
Classification: Uncertain significance. Last evaluated: 2026-06-08. Review status: criteria provided, single submitter. Criteria: GeneDx Variant Classification Process June 2021. Collection method: clinical testing. Allele origin: germline.
Comment: Not observed at significant frequency in large population cohorts (gnomAD); In silico analysis suggests that this missense variant does not alter protein structure/function; Has not been previously published as pathogenic or benign to our knowledge; This variant is associated with the following publications: (PMID: 30564623)

Ambry Genetics
Classification: Uncertain significance for Cardiovascular phenotype. Last evaluated: 2025-08-23. Review status: criteria provided, single submitter. Criteria: Ambry Variant Classification Scheme 2023. Collection method: clinical testing. Allele origin: germline.

Athena Diagnostics
Classification: Uncertain significance. Last evaluated: 2024-04-11. Review status: criteria provided, single submitter. Criteria: Athena Diagnostics Criteria. Collection method: clinical testing. Allele origin: unknown.
Comment: Available data are insufficient to determine the clinical significance of the variant at this time. The frequency of this variant in the general population is uninformative in assessment of its pathogenicity. Polyphen and MutationTaster yielded discordant predictions regarding whether this amino acid change is damaging to the protein.

Mayo Clinic Laboratories, Mayo Clinic
Classification: Uncertain significance. Last evaluated: 2023-05-15. Review status: criteria provided, single submitter. Criteria: ACMG Guidelines, 2015. Collection method: clinical testing. Allele origin: germline. Observed: 1 variant allele.

Revvity Omics, Revvity
Classification: Uncertain significance. Last evaluated: 2023-02-07. Review status: criteria provided, single submitter. Criteria: ACMG Guidelines, 2015. Collection method: clinical testing. Allele origin: germline.

Labcorp Genetics (formerly Invitae), Labcorp
Classification: Uncertain significance for Walker-Warburg congenital muscular dystrophy. Last evaluated: 2022-10-05. Review status: criteria provided, single submitter. Criteria: Invitae Variant Classification Sherloc (09022015). Collection method: clinical testing. Allele origin: germline.
Comment: This sequence change replaces arginine, which is basic and polar, with glutamine, which is neutral and polar, at codon 128 of the FKTN protein (p.Arg128Gln). This variant is present in population databases (rs146049441, gnomAD 0.01%). This variant has not been reported in the literature in individuals affected with FKTN-related conditions. ClinVar contains an entry for this variant (Variation ID: 286471). Advanced modeling of protein sequence and biophysical properties (such as structural, functional, and spatial information, amino acid conservation, physicochemical variation, residue mobility, and thermodynamic stability) performed at Invitae indicates that this missense variant is not expected to disrupt FKTN protein function. In summary, the available evidence is currently insufficient to determine the role of this variant in disease. Therefore, it has been classified as a Variant of Uncertain Significance.

Fulgent Genetics
Classification: Uncertain significance for Muscular dystrophy-dystroglycanopathy (congenital with brain and eye anomalies), type A1; Muscular dystrophy-dystroglycanopathy (congenital with brain and eye anomalies), type A, 4; Autosomal recessive limb-girdle muscular dystrophy type 2M; Dilated cardiomyopathy 1X; Muscular dystrophy-dystroglycanopathy (congenital without impaired intellectual development), type B, 4. Last evaluated: 2021-07-05. Review status: criteria provided, single submitter. Criteria: ACMG Guidelines, 2015. Collection method: clinical testing. Allele origin: unknown.

Eurofins Ntd Llc (ga)
Classification: Uncertain significance. Last evaluated: 2017-11-17. Review status: criteria provided, single submitter. Criteria: EGL Classification Definitions 2015. Collection method: clinical testing. Allele origin: germline. Observed: 3 variant alleles, 3 heterozygotes.

Natera, Inc.
Classification: Uncertain significance for Walker-Warburg congenital muscular dystrophy. Last evaluated: 2020-01-24. Review status: no assertion criteria provided. Collection method: clinical testing. Allele origin: germline. Not counted in ClinVar's aggregate classification.

Literature cited by the submitters: PubMed 31983221 (cited by Athena Diagnostics).